The following is an entry in ClinVar:

ClinVar aggregate classification (germline): Conflicting classifications of pathogenicity. Review status: criteria provided, conflicting classifications (1 of 4 stars). 3 submissions from 1 submitter: Uncertain significance (1); Benign (2). Last evaluated 2018-01-13.

Conditions:
Channelopathy-associated congenital insensitivity to pain, autosomal recessive. Also called: Insensitivity to pain, channelopathy-associated; ASYMBOLIA FOR PAIN; CONGENITAL ANALGESIA, AUTOSOMAL RECESSIVE. Identifiers: Orphanet 88642, Orphanet 970, MedGen C1855739, MONDO:0009459, OMIM 243000.
Primary erythromelalgia. Also called: SCN9A Erythromelalgia (SCN9A-EM); primary erythermalgia. Identifiers: Orphanet 306577, Orphanet 90026, MedGen C0014805, MONDO:0007571, OMIM 133020.
Paroxysmal extreme pain disorder (PEXPD). Also called: PAIN, SUBMANDIBULAR, OCULAR, AND RECTAL, WITH FLUSHING; RECTAL PAIN, FAMILIAL; SCN9A Paroxysmal Extreme Pain Disorder (SCN9A-PEPD). Identifiers: Orphanet 46348, MedGen C1833661, MONDO:0008179, OMIM 167400.

Allele frequency attached by ClinVar (database versions not stated): TOPMed 0.00023; 1000 Genomes Project 30x 0.00031; 1000 Genomes Project 0.00040; gnomAD 0.00100 and 0.00108.

Submissions (3):

Illumina Laboratory Services, Illumina
Classification: Benign for Primary erythromelalgia. Last evaluated: 2018-01-13. Review status: criteria provided, single submitter. Criteria: ICSL Variant Classification Criteria 13 December 2019. Collection method: clinical testing. Allele origin: germline.
Comment: This variant was observed in the ICSL laboratory as part of a predisposition screen in an ostensibly healthy population. It had not been previously curated by ICSL or reported in the Human Gene Mutation Database (HGMD: prior to June 1st, 2018), and was therefore a candidate for classification through an automated scoring system. Utilizing variant allele frequency, disease prevalence and penetrance estimates, and inheritance mode, an automated score was calculated to assess if this variant is too frequent to cause the disease. Based on the score and internal cut-off values, a variant classified as benign is not then subjected to further curation. The score for this variant resulted in a classification of benign for this disease.

Illumina Laboratory Services, Illumina
Classification: Benign for Paroxysmal extreme pain disorder. Last evaluated: 2018-01-13. Review status: criteria provided, single submitter. Criteria: ICSL Variant Classification Criteria 13 December 2019. Collection method: clinical testing. Allele origin: germline.
Comment: the same text as in the submission from Illumina Laboratory Services, Illumina above.

Illumina Laboratory Services, Illumina
Classification: Uncertain significance for Channelopathy-associated congenital insensitivity to pain, autosomal recessive. Last evaluated: 2018-01-13. Review status: criteria provided, single submitter. Criteria: ICSL Variant Classification Criteria 13 December 2019. Collection method: clinical testing. Allele origin: germline.

NM_001365536.1(SCN9A):c.*785C>T

Genes: SCN1A-AS1 (SCN1A and SCN9A antisense RNA 1; plus strand), SCN9A (sodium voltage-gated channel alpha subunit 9; minus strand). Cytogenetic location: 2q24.3.
Variant type: single nucleotide variant.
Coding change: c.*785C>T on transcript NM_001365536.1 (MANE Select); 785 bases downstream of the stop codon, C replaced by T.
Molecular consequence: 3 prime UTR variant.
Genome position (GRCh38, 1-based): chr2:166,197,887, G>A on the plus strand (C>T on the coding strand, the complement: SCN9A is on the minus strand). VCF-style: chr2-166197887-G-A. GRCh37 (hg19) VCF-style: chr2-167054397-G-A.
Other names: c.*785C>T (NM_002977.4).
Identifiers: ClinVar variation 331943 (VCV000331943.6), dbSNP rs181229506, ClinGen allele CA10612518.